The following is an entry in ClinVar:

NM_002087.4(GRN):c.834A>T (p.Thr278=)

Gene: GRN (granulin precursor; plus strand). Cytogenetic location: 17q21.31.
Variant type: single nucleotide variant.
Coding change: c.834A>T on transcript NM_002087.4 (MANE Select); coding-DNA position 834, A replaced by T.
Protein change: p.Thr278=; no amino-acid change (threonine 278 retained).
Molecular consequence: synonymous variant.
Genome position (GRCh38, 1-based): chr17:44,351,162, A>T. VCF-style: chr17-44351162-A-T. GRCh37 (hg19) VCF-style: chr17-42428530-A-T.
Identifiers: ClinVar variation 3753432 (VCV003753432.2).
Genomic context (GRCh38, chr17:44,351,162, plus strand): 5'-TAAGTGCCTCTCCAAGGAGAACGCTACCACGGACCTCCTCACTAAGCTGCCTGCGCACAC[A>T]GGTACCAGAGGCAGGGTGCAGATACAGGGGTGGGGCCCCCTTTCCTCCCTTTTAGGCCTG-3'
Protein context (NP_002078.1, residues 268-288): TDLLTKLPAH[Thr278=]VGDVKCDMEV

ClinVar aggregate classification (germline): Uncertain significance (1 of 4 stars; one submission).

Conditions:
Neuronal ceroid lipofuscinosis 11. Also called: GRN-Related Neuronal Ceroid-Lipofuscinosis. Identifiers: Orphanet 314629, Orphanet 79262, MedGen C3539123, MONDO:0013866, OMIM 614706.
GRN-related frontotemporal lobar degeneration with Tdp43 inclusions (FTD2). Also called: DEMENTIA, HEREDITARY DYSPHASIC DISINHIBITION; FRONTOTEMPORAL LOBAR DEGENERATION WITH UBIQUITIN-POSITIVE INCLUSIONS; FTLD-TDP, GRN-RELATED; GRN Frontotemporal Dementia; FRONTOTEMPORAL DEMENTIA WITH TDP43 INCLUSIONS, GRN-RELATED. Identifiers: Orphanet 100070, Orphanet 282, MedGen C1843792, MONDO:0011842, OMIM 607485. Disease mechanism: loss of function.

gnomAD v4.1: 1 of 1,614,138 alleles (0.000062%); highest among the groups gnomAD compares: Non-Finnish European, 0.000085%; no homozygotes.

Submission:

Labcorp Genetics (formerly Invitae), Labcorp
Classification: Uncertain significance for Neuronal ceroid lipofuscinosis 11; GRN-related frontotemporal lobar degeneration with Tdp43 inclusions. Last evaluated: 2025-09-22. Review status: criteria provided, single submitter. Criteria: Invitae Variant Classification Sherloc (09022015). Collection method: clinical testing. Allele origin: germline.
Comment: This sequence change affects codon 278 of the GRN mRNA. It is a 'silent' change, meaning that it does not change the encoded amino acid sequence of the GRN protein. It affects a nucleotide within the consensus splice site. This variant is not present in population databases (gnomAD no frequency). This variant has not been reported in the literature in individuals affected with GRN-related conditions. ClinVar contains an entry for this variant (Variation ID: 3753432). Algorithms developed to predict the effect of sequence changes on RNA splicing suggest that this variant may disrupt the consensus splice site. In summary, the available evidence is currently insufficient to determine the role of this variant in disease. Therefore, it has been classified as a Variant of Uncertain Significance.